The following is an entry in ClinVar:

NM_003235.5(TG):c.2241dup (p.Asn748Ter)

Gene: TG (thyroglobulin; plus strand). Cytogenetic location: 8q24.22.
Variant type: Duplication.
Coding change: c.2241dup on transcript NM_003235.5 (MANE Select); coding-DNA position 2241, one base duplicated (T; older notation c.2241dupT).
Protein change: p.Asn748Ter; replaces asparagine 748 with a stop codon.
Molecular consequence: nonsense.
Genome position (GRCh38, 1-based): chr8:132,888,048, T duplicated. VCF-style (leftmost placement, unchanged base first): chr8-132888047-C-CT. GRCh37 (hg19) VCF-style: chr8-133900292-C-CT.
Other names: short protein forms N748*.
Identifiers: ClinVar variation 3614974 (VCV003614974.2).

ClinVar aggregate classification (germline): Pathogenic (1 of 4 stars; one submission).

Submission:

Labcorp Genetics (formerly Invitae), Labcorp
Classification: Pathogenic. Last evaluated: 2024-02-15. Review status: criteria provided, single submitter. Criteria: Invitae Variant Classification Sherloc (09022015). Collection method: clinical testing. Allele origin: germline.
Comment: This sequence change creates a premature translational stop signal (p.Asn748*) in the TG gene. It is expected to result in an absent or disrupted protein product. Loss-of-function variants in TG are known to be pathogenic (PMID: 19837936, 23164529). This variant is not present in population databases (gnomAD no frequency). This variant has not been reported in the literature in individuals affected with TG-related conditions. For these reasons, this variant has been classified as Pathogenic.

Literature cited by the submitters: PubMed 19837936; PubMed 23164529.